The following is an entry in ClinVar:

NM_152393.4(KLHL40):c.385T>G (p.Cys129Gly)

Gene: KLHL40 (kelch like family member 40; plus strand). Cytogenetic location: 3p22.1.
Variant type: single nucleotide variant.
Coding change: c.385T>G on transcript NM_152393.4 (MANE Select); coding-DNA position 385, T replaced by G.
Protein change: p.Cys129Gly; replaces cysteine 129 with glycine.
Molecular consequence: missense variant.
Genome position (GRCh38, 1-based): chr3:42,686,003, T>G. VCF-style: chr3-42686003-T-G. GRCh37 (hg19) VCF-style: chr3-42727495-T-G.
Other names: short protein forms C129G.
Identifiers: ClinVar variation 859109 (VCV000859109.6), dbSNP rs765939784, ClinGen allele CA2336639.

ClinVar aggregate classification (germline): Uncertain significance (1 of 4 stars; one submission).

Conditions:
Nemaline myopathy 8 (NEM8). Also called: Nemaline myopathy 8, autosomal recessive. Identifiers: Orphanet 171430, MedGen C3809209, MONDO:0014138, OMIM 615348.

Allele frequency attached by ClinVar (database versions not stated): gnomAD exomes below 0.00001; gnomAD 0.00001; TOPMed below 0.00001; ExAC 0.00001.
gnomAD v4.1: 5 of 1,611,160 alleles (0.00031%); highest among the groups gnomAD compares: Admixed American, 0.0033%; no homozygotes.

Submission:

Labcorp Genetics (formerly Invitae), Labcorp
Classification: Uncertain significance for Nemaline myopathy 8. Last evaluated: 2022-07-19. Review status: criteria provided, single submitter. Criteria: Invitae Variant Classification Sherloc (09022015). Collection method: clinical testing. Allele origin: germline.
Comment: This sequence change replaces cysteine, which is neutral and slightly polar, with glycine, which is neutral and non-polar, at codon 129 of the KLHL40 protein (p.Cys129Gly). In summary, the available evidence is currently insufficient to determine the role of this variant in disease. Therefore, it has been classified as a Variant of Uncertain Significance. Algorithms developed to predict the effect of missense changes on protein structure and function are either unavailable or do not agree on the potential impact of this missense change (SIFT: "Deleterious"; PolyPhen-2: "Benign"; Align-GVGD: "Class C0"). ClinVar contains an entry for this variant (Variation ID: 859109). This variant has not been reported in the literature in individuals affected with KLHL40-related conditions. This variant is present in population databases (rs765939784, gnomAD 0.006%).